The following is an entry in ClinVar:

NM_001277115.2(DNAH11):c.13287C>T (p.His4429=)

Gene: DNAH11 (dynein axonemal heavy chain 11; plus strand). Cytogenetic location: 7p15.3.
Variant type: single nucleotide variant.
Coding change: c.13287C>T on transcript NM_001277115.2 (MANE Select); coding-DNA position 13287, C replaced by T.
Protein change: p.His4429=; no amino-acid change (histidine 4429 retained).
Molecular consequence: synonymous variant.
Genome position (GRCh38, 1-based): chr7:21,900,104, C>T. VCF-style: chr7-21900104-C-T. GRCh37 (hg19) VCF-style: chr7-21939722-C-T.
Other names: c.13287C>T (NM_001277115.1); c.13308C>T, p.His4436= (NM_003777.3).
Identifiers: ClinVar variation 2721014 (VCV002721014.5), dbSNP rs780416768, ClinGen allele CA4183395.

ClinVar aggregate classification (germline): Benign. Review status: criteria provided, single submitter (1 of 4 stars). 2 submissions from 2 submitters: Benign (1). 1 of the submissions does not count toward it. Last evaluated 2023-10-28.

Conditions:
DNAH11-related disorder. Also called: DNAH11-related condition.
Primary ciliary dyskinesia. Also called: Ciliary dyskinesia. Identifiers: Orphanet 244, MedGen C0008780, MONDO:0016575, HP:0012265.

gnomAD v4.1: 14 of 1,613,538 alleles (0.00087%); highest among the groups gnomAD compares: Middle Eastern, 0.017%; no homozygotes.

Submissions (2):

Labcorp Genetics (formerly Invitae), Labcorp
Classification: Benign for Primary ciliary dyskinesia. Last evaluated: 2023-10-28. Review status: criteria provided, single submitter. Criteria: Invitae Variant Classification Sherloc (09022015). Collection method: clinical testing. Allele origin: germline.

PreventionGenetics, part of Exact Sciences
Classification: Likely benign for DNAH11-related condition. Last evaluated: 2020-12-31. Review status: no assertion criteria provided. Collection method: clinical testing. Allele origin: germline. Not counted in ClinVar's aggregate classification.
Comment: This variant is classified as likely benign based on ACMG/AMP sequence variant interpretation guidelines (Richards et al. 2015 PMID: 25741868, with internal and published modifications).